The following is an entry in ClinVar:

NM_001077653.2(TBX20):c.86C>T (p.Ser29Phe)

Gene: TBX20 (T-box transcription factor 20; minus strand). Cytogenetic location: 7p14.2.
Variant type: single nucleotide variant.
Coding change: c.86C>T on transcript NM_001077653.2 (MANE Select); coding-DNA position 86, C replaced by T.
Protein change: p.Ser29Phe; replaces serine 29 with phenylalanine.
Molecular consequence: missense variant.
Genome position (GRCh38, 1-based): chr7:35,253,535, G>A on the plus strand (C>T on the coding strand, the complement: TBX20 is on the minus strand). VCF-style: chr7-35253535-G-A. GRCh37 (hg19) VCF-style: chr7-35293146-G-A.
Other names: c.86C>T, p.Ser29Phe (NM_001166220.1); short protein forms S29F.
Identifiers: ClinVar variation 2054547 (VCV002054547.5), dbSNP rs13237089, ClinGen allele CA367265539.

ClinVar aggregate classification (germline): Uncertain significance. Review status: criteria provided, multiple submitters, no conflicts (2 of 4 stars). 2 submissions from 2 submitters: Uncertain significance (2). Last evaluated 2026-02-22.

Submissions (2):

GeneDx
Classification: Uncertain significance. Last evaluated: 2026-02-22. Review status: criteria provided, single submitter. Criteria: GeneDx Variant Classification Process June 2021. Collection method: clinical testing. Allele origin: germline.
Comment: Not observed at significant frequency in large population cohorts (gnomAD); In silico analysis suggests that this missense variant does not alter protein structure/function; Has not been previously published as pathogenic or benign to our knowledge

Labcorp Genetics (formerly Invitae), Labcorp
Classification: Uncertain significance. Last evaluated: 2025-10-08. Review status: criteria provided, single submitter. Criteria: Invitae Variant Classification Sherloc (09022015). Collection method: clinical testing. Allele origin: germline.
Comment: This sequence change replaces serine, which is neutral and polar, with phenylalanine, which is neutral and non-polar, at codon 29 of the TBX20 protein (p.Ser29Phe). This variant is not present in population databases (gnomAD no frequency). This variant has not been reported in the literature in individuals affected with TBX20-related conditions. ClinVar contains an entry for this variant (Variation ID: 2054547). An algorithm developed to predict the effect of missense changes on protein structure and function (PolyPhen-2) suggests that this variant is likely to be tolerated. In summary, the available evidence is currently insufficient to determine the role of this variant in disease. Therefore, it has been classified as a Variant of Uncertain Significance.